The following is an entry in ClinVar:

ClinVar aggregate classification (germline): Uncertain significance. Review status: criteria provided, multiple submitters, no conflicts (2 of 4 stars). 3 submissions from 3 submitters: Uncertain significance (3). Last evaluated 2024-12-02.

Conditions:
Inborn genetic diseases. Identifiers: MedGen C0950123, MeSH D030342.

Allele frequency attached by ClinVar (database versions not stated): gnomAD exomes below 0.00001; gnomAD 0.00002 and 0.00003; TOPMed 0.00004.
gnomAD v4.1: 6 of 1,614,134 alleles (0.00037%); highest among the groups gnomAD compares: African/African-American, 0.0067%; no homozygotes.

Submissions (3):

Labcorp Genetics (formerly Invitae), Labcorp
Classification: Uncertain significance. Last evaluated: 2024-12-02. Review status: criteria provided, single submitter. Criteria: Invitae Variant Classification Sherloc (09022015). Collection method: clinical testing. Allele origin: germline.
Comment: This sequence change replaces glycine, which is neutral and non-polar, with aspartic acid, which is acidic and polar, at codon 883 of the MERTK protein (p.Gly883Asp). This variant is not present in population databases (gnomAD no frequency). This variant has not been reported in the literature in individuals affected with MERTK-related conditions. ClinVar contains an entry for this variant (Variation ID: 950800). Invitae Evidence Modeling of protein sequence and biophysical properties (such as structural, functional, and spatial information, amino acid conservation, physicochemical variation, residue mobility, and thermodynamic stability) indicates that this missense variant is not expected to disrupt MERTK protein function with a negative predictive value of 80%. In summary, the available evidence is currently insufficient to determine the role of this variant in disease. Therefore, it has been classified as a Variant of Uncertain Significance.

Ambry Genetics
Classification: Uncertain significance for Inborn genetic diseases. Last evaluated: 2024-10-12. Review status: criteria provided, single submitter. Criteria: Ambry Variant Classification Scheme 2023. Collection method: clinical testing. Allele origin: germline.

Blueprint Genetics
Classification: Uncertain significance. Last evaluated: 2020-02-08. Review status: criteria provided, single submitter. Criteria: ACMG Guidelines, 2015. Collection method: clinical testing. Allele origin: germline.

NM_006343.3(MERTK):c.2648G>A (p.Gly883Asp)

Gene: MERTK (MER proto-oncogene, tyrosine kinase; plus strand). Cytogenetic location: 2q13.
Variant type: single nucleotide variant.
Coding change: c.2648G>A on transcript NM_006343.3 (MANE Select); coding-DNA position 2648, G replaced by A.
Protein change: p.Gly883Asp; replaces glycine 883 with aspartic acid.
Molecular consequence: missense variant.
Genome position (GRCh38, 1-based): chr2:112,028,512, G>A. VCF-style: chr2-112028512-G-A. GRCh37 (hg19) VCF-style: chr2-112786089-G-A.
Other names: short protein forms G883D.
Identifiers: ClinVar variation 950800 (VCV000950800.11), dbSNP rs887297637, ClinGen allele CA53599054.